The following is an entry in ClinVar:

NM_005228.5(EGFR):c.2357T>A (p.Val786Glu)

Genes: EGFR-AS1 (EGFR antisense RNA 1; minus strand), EGFR (epidermal growth factor receptor; plus strand). Cytogenetic location: 7p11.2.
Variant type: single nucleotide variant.
Coding change: c.2357T>A on transcript NM_005228.5 (MANE Select); coding-DNA position 2357, T replaced by A.
Protein change: p.Val786Glu; replaces valine 786 with glutamic acid.
Molecular consequence: missense variant. On other transcripts: non-coding transcript variant (1).
Genome position (GRCh38, 1-based): chr7:55,181,366, T>A. VCF-style: chr7-55181366-T-A. GRCh37 (hg19) VCF-style: chr7-55249059-T-A.
Other names: c.2222T>A, p.Val741Glu (NM_001346897.2, NM_001346899.2); c.2357T>A, p.Val786Glu (NM_001346898.2); c.2198T>A, p.Val733Glu (NM_001346900.2); c.1556T>A, p.Val519Glu (NM_001346941.2); c.2357T>A (NM_005228.3); short protein forms V519E, V733E, V741E, V786E.
Identifiers: ClinVar variation 1052028 (VCV001052028.11), dbSNP rs2128958611, ClinGen allele CA367578826.
Genomic context (GRCh38, chr7:55,181,366, plus strand): 5'-TGGCCAGCGTGGACAACCCCCACGTGTGCCGCCTGCTGGGCATCTGCCTCACCTCCACCG[T>A]GCAGCTCATCACGCAGCTCATGCCCTTCGGCTGCCTCCTGGACTATGTCCGGGAACACAA-3'
Protein context (NP_005219.2, residues 776-796): RLLGICLTST[Val786Glu]QLITQLMPFG

ClinVar aggregate classification (germline): Uncertain significance. Review status: criteria provided, multiple submitters, no conflicts (2 of 4 stars). 2 submissions from 2 submitters: Uncertain significance (2). Last evaluated 2025-06-21.

Conditions:
Hereditary cancer-predisposing syndrome. Also called: Tumor predisposition; Hereditary neoplastic syndrome; Hereditary Cancer Syndrome; Neoplastic Syndromes, Hereditary. Identifiers: Orphanet 140162, MedGen C0027672, MeSH D009386, MONDO:0015356.
EGFR-related lung cancer (EGFR). Identifiers: MedGen CN130014.

gnomAD v4.1: 1 of 1,614,220 alleles (0.000062%); highest among the groups gnomAD compares: Non-Finnish European, 0.000085%; no homozygotes.

Submissions (2):

Ambry Genetics
Classification: Uncertain significance for Hereditary cancer-predisposing syndrome. Last evaluated: 2025-06-21. Review status: criteria provided, single submitter. Criteria: Ambry Variant Classification Scheme 2023. Collection method: clinical testing. Allele origin: germline.
Comment: The p.V786E variant (also known as c.2357T>A), located in coding exon 20 of the EGFR gene, results from a T to A substitution at nucleotide position 2357. The valine at codon 786 is replaced by glutamic acid, an amino acid with dissimilar properties. This amino acid position is conserved. In addition, this alteration is predicted to be deleterious by in silico analysis. Based on the available evidence, the clinical significance of this variant remains unclear.

Labcorp Genetics (formerly Invitae), Labcorp
Classification: Uncertain significance for EGFR-related lung cancer. Last evaluated: 2024-01-15. Review status: criteria provided, single submitter. Criteria: Invitae Variant Classification Sherloc (09022015). Collection method: clinical testing. Allele origin: germline.
Comment: This sequence change replaces valine, which is neutral and non-polar, with glutamic acid, which is acidic and polar, at codon 786 of the EGFR protein (p.Val786Glu). This variant is not present in population databases (gnomAD no frequency). This variant has not been reported in the literature in individuals affected with EGFR-related conditions. ClinVar contains an entry for this variant (Variation ID: 1052028). Advanced modeling of protein sequence and biophysical properties (such as structural, functional, and spatial information, amino acid conservation, physicochemical variation, residue mobility, and thermodynamic stability) performed at Invitae indicates that this missense variant is not expected to disrupt EGFR protein function with a negative predictive value of 80%. In summary, the available evidence is currently insufficient to determine the role of this variant in disease. Therefore, it has been classified as a Variant of Uncertain Significance.